The following is an entry in ClinVar:

ClinVar aggregate classification (germline): Uncertain significance (1 of 4 stars; one submission).

Conditions:
Primary ciliary dyskinesia. Also called: Ciliary dyskinesia. Identifiers: Orphanet 244, MedGen C0008780, MONDO:0016575, HP:0012265.

Allele frequency attached by ClinVar (database versions not stated): gnomAD exomes below 0.00001.
gnomAD v4.1: 1 of 1,614,158 alleles (0.000062%); highest among the groups gnomAD compares: African/African-American, 0.0013%; no homozygotes.

Submission:

Labcorp Genetics (formerly Invitae), Labcorp
Classification: Uncertain significance for Primary ciliary dyskinesia. Last evaluated: 2022-07-19. Review status: criteria provided, single submitter. Criteria: Invitae Variant Classification Sherloc (09022015). Collection method: clinical testing. Allele origin: germline.
Comment: This variant is not present in population databases (gnomAD no frequency). In summary, the available evidence is currently insufficient to determine the role of this variant in disease. Therefore, it has been classified as a Variant of Uncertain Significance. Advanced modeling of protein sequence and biophysical properties (such as structural, functional, and spatial information, amino acid conservation, physicochemical variation, residue mobility, and thermodynamic stability) performed at Invitae indicates that this missense variant is not expected to disrupt DNAH5 protein function. This variant has not been reported in the literature in individuals affected with DNAH5-related conditions. This sequence change replaces glycine, which is neutral and non-polar, with arginine, which is basic and polar, at codon 702 of the DNAH5 protein (p.Gly702Arg).

NM_001369.3(DNAH5):c.2104G>C (p.Gly702Arg)

Genes: DNAH5 (dynein axonemal heavy chain 5; minus strand), DNAH5-AS1 (DNAH5 antisense RNA 1; plus strand). Cytogenetic location: 5p15.2.
Variant type: single nucleotide variant.
Coding change: c.2104G>C on transcript NM_001369.3 (MANE Select); coding-DNA position 2104, G replaced by C.
Protein change: p.Gly702Arg; replaces glycine 702 with arginine.
Molecular consequence: missense variant.
Genome position (GRCh38, 1-based): chr5:13,900,361, C>G on the plus strand (G>C on the coding strand, the complement: DNAH5 is on the minus strand). VCF-style: chr5-13900361-C-G. GRCh37 (hg19) VCF-style: chr5-13900470-C-G.
Other names: short protein forms G702R.
Identifiers: ClinVar variation 1904391 (VCV001904391.4), dbSNP rs2547088127, ClinGen allele CA359203768.